The following is an entry in ClinVar:

NM_172362.3(KCNH1):c.1022G>A (p.Arg341Lys)

Gene: KCNH1 (potassium voltage-gated channel subfamily H member 1; minus strand). Cytogenetic location: 1q32.2.
Variant type: single nucleotide variant.
Coding change: c.1022G>A on transcript NM_172362.3 (MANE Select); coding-DNA position 1022, G replaced by A.
Protein change: p.Arg341Lys; replaces arginine 341 with lysine.
Molecular consequence: missense variant. On other transcripts: intron variant (1).
Genome position (GRCh38, 1-based): chr1:211,018,793, C>T on the plus strand (G>A on the coding strand, the complement: KCNH1 is on the minus strand). VCF-style: chr1-211018793-C-T. GRCh37 (hg19) VCF-style: chr1-211192135-C-T.
Other names: c.951+71G>A (NM_002238.4); short protein forms R341K.
Identifiers: ClinVar variation 1307585 (VCV001307585.3), dbSNP rs755319456, ClinGen allele CA1379937.

ClinVar aggregate classification (germline): Uncertain significance. Review status: criteria provided, multiple submitters, no conflicts (2 of 4 stars). 2 submissions from 2 submitters: Uncertain significance (2). Last evaluated 2024-06-07.

Conditions:
Zimmermann-Laband syndrome 1 (ZLS1). Identifiers: Orphanet 3473, MedGen C4551773, MONDO:0024526, OMIM 135500.
Temple-Baraitser syndrome (TMBTS). Also called: Severe mental retardation and absent nails of hallux and pollex. Identifiers: Orphanet 420561, MedGen C2678486, MONDO:0012735, OMIM 611816.

Allele frequency attached by ClinVar (database versions not stated): ExAC 0.00001; gnomAD exomes 0.00001.
gnomAD v4.1: 7 of 1,604,660 alleles (0.00044%); highest among the groups gnomAD compares: Non-Finnish European, 0.0006%; no homozygotes.

Submissions (2):

Fulgent Genetics
Classification: Uncertain significance for Zimmermann-Laband syndrome 1; Temple-Baraitser syndrome. Last evaluated: 2024-06-07. Review status: criteria provided, single submitter. Criteria: ACMG Guidelines, 2015. Collection method: clinical testing. Allele origin: germline.

GeneDx
Classification: Uncertain significance. Last evaluated: 2019-08-08. Review status: criteria provided, single submitter. Criteria: GeneDx Variant Classification Process June 2021. Collection method: clinical testing. Allele origin: germline. Affected: yes.
Comment: In silico analysis, which includes protein predictors and evolutionary conservation, supports that this variant does not alter protein structure/function; Has not been previously published as pathogenic or benign to our knowledge